The following is an entry in ClinVar:

NM_000051.4(ATM):c.7141A>G (p.Asn2381Asp)

Genes: ATM (ATM serine/threonine kinase; plus strand), C11orf65 (chromosome 11 open reading frame 65; minus strand). Cytogenetic location: 11q22.3.
Variant type: single nucleotide variant.
Coding change: c.7141A>G on transcript NM_000051.4 (MANE Select); coding-DNA position 7141, A replaced by G.
Protein change: p.Asn2381Asp; replaces asparagine 2381 with aspartic acid.
Molecular consequence: missense variant. On other transcripts: intron variant (2).
Genome position (GRCh38, 1-based): chr11:108,329,072, A>G. VCF-style: chr11-108329072-A-G. GRCh37 (hg19) VCF-style: chr11-108199799-A-G.
Other names: c.7141A>G, p.Asn2381Asp (NM_001351834.2); c.641-20001T>C (NM_001330368.2); c.*38+6148T>C (NM_001351110.2); short protein forms N2381D.
Identifiers: ClinVar variation 3451313 (VCV003451313.1).

ClinVar aggregate classification (germline): Uncertain significance (1 of 4 stars; one submission).

Conditions:
Hereditary cancer-predisposing syndrome. Also called: Tumor predisposition; Hereditary Cancer Syndrome; Neoplastic Syndromes, Hereditary; Hereditary neoplastic syndrome. Identifiers: Orphanet 140162, MedGen C0027672, MeSH D009386, MONDO:0015356.

Submission:

Ambry Genetics
Classification: Uncertain significance for Hereditary cancer-predisposing syndrome. Last evaluated: 2024-09-15. Review status: criteria provided, single submitter. Criteria: Ambry Variant Classification Scheme 2023. Collection method: clinical testing. Allele origin: germline.
Comment: The p.N2381D variant (also known as c.7141A>G), located in coding exon 48 of the ATM gene, results from an A to G substitution at nucleotide position 7141. The asparagine at codon 2381 is replaced by aspartic acid, an amino acid with highly similar properties. This amino acid position is conserved. In addition, this alteration is predicted to be tolerated by in silico analysis. Based on the available evidence, the clinical significance of this variant remains unclear.